The following is an entry in ClinVar:

NM_000051.4(ATM):c.700G>C (p.Ala234Pro)

Gene: ATM (ATM serine/threonine kinase; plus strand). Cytogenetic location: 11q22.3.
Variant type: single nucleotide variant.
Coding change: c.700G>C on transcript NM_000051.4 (MANE Select); coding-DNA position 700, G replaced by C.
Protein change: p.Ala234Pro; replaces alanine 234 with proline.
Molecular consequence: missense variant.
Genome position (GRCh38, 1-based): chr11:108,244,825, G>C. VCF-style: chr11-108244825-G-C. GRCh37 (hg19) VCF-style: chr11-108115552-G-C.
Other names: c.700G>C, p.Ala234Pro (NM_001351834.2); short protein forms A234P.
Identifiers: ClinVar variation 4617207 (VCV004617207.1).

ClinVar aggregate classification (germline): Uncertain significance (1 of 4 stars; one submission).

Conditions:
Hereditary cancer-predisposing syndrome. Also called: Neoplastic Syndromes, Hereditary; Tumor predisposition; Hereditary Cancer Syndrome; Hereditary neoplastic syndrome. Identifiers: Orphanet 140162, MedGen C0027672, MeSH D009386, MONDO:0015356.

Submission:

Ambry Genetics
Classification: Uncertain significance for Hereditary cancer-predisposing syndrome. Last evaluated: 2025-09-30. Review status: criteria provided, single submitter. Criteria: Ambry Variant Classification Scheme 2023. Collection method: clinical testing. Allele origin: germline.
Comment: The p.A234P variant (also known as c.700G>C), located in coding exon 6 of the ATM gene, results from a G to C substitution at nucleotide position 700. The alanine at codon 234 is replaced by proline, an amino acid with highly similar properties. In an assay testing ATM function, this variant showed a functionally normal result (Lee KS et al. Cell, 2025 Sep;188:5081-5099.e27). This amino acid position is not well conserved in available vertebrate species. In addition, this alteration is predicted to be tolerated by in silico analysis. Based on the available evidence, the clinical significance of this variant remains unclear.

Literature cited by the submitters: PubMed 40580951.